The following is an entry in ClinVar:

NM_004092.4(ECHS1):c.616G>A (p.Ala206Thr)

Gene: ECHS1 (enoyl-CoA hydratase, short chain 1; minus strand). Cytogenetic location: 10q26.3.
Variant type: single nucleotide variant.
Coding change: c.616G>A on transcript NM_004092.4 (MANE Select); coding-DNA position 616, G replaced by A.
Protein change: p.Ala206Thr; replaces alanine 206 with threonine.
Molecular consequence: missense variant.
Genome position (GRCh38, 1-based): chr10:133,366,892, C>T on the plus strand (G>A on the coding strand, the complement: ECHS1 is on the minus strand). VCF-style: chr10-133366892-C-T. GRCh37 (hg19) VCF-style: chr10-135180396-C-T.
Other names: short protein forms A206T.
Identifiers: ClinVar variation 2431937 (VCV002431937.1), dbSNP rs1426550721, ClinGen allele CA378819493.
Genomic context (GRCh38, chr10:133,366,892, plus strand): 5'-TGTGGGGCTCCCACCCCGGGTTTCCAGGTGGCTCTTGCGGGCAGCCCCAACCCATACCTG[C>T]TTGCTTGGCGTCCTGGGCTGAGATCCGGTCACCAGTGAGGACCATCTCCATCGCCAGCGA-3'
Protein context (NP_004083.3, residues 196-216): DRISAQDAKQ[Ala206Thr]GLVSKICPVE

ClinVar aggregate classification (germline): Uncertain significance (1 of 4 stars; one submission).

Conditions:
Mitochondrial short-chain Enoyl-Coa hydratase 1 deficiency. Also called: PxMD-ECHS1; Mitochondrial Short-Chain Enoyl-CoA Hydratase Deficiency; ECHS1 deficiency. Identifiers: Orphanet 255241, Orphanet 653880, MedGen C4225391, MONDO:0014563, OMIM 616277.

Submission:

Laboratorio de Genetica e Diagnostico Molecular, Hospital Israelita Albert Einstein
Classification: Uncertain significance for Mitochondrial short-chain Enoyl-Coa hydratase 1 deficiency. Last evaluated: 2022-12-16. Review status: criteria provided, single submitter. Criteria: ACMG Guidelines, 2015. Collection method: clinical testing. Allele origin: germline. Affected: yes. Observed: 1 variant allele.
Comment: ACMG classification criteria: PM2 moderated, BP4 supporting